The following is an entry in ClinVar:

ClinVar aggregate classification (germline): Uncertain significance (1 of 4 stars; one submission).

Submission:

GeneDx
Classification: Uncertain significance. Last evaluated: 2020-01-23. Review status: criteria provided, single submitter. Criteria: GeneDx Variant Classification Process June 2021. Collection method: clinical testing. Allele origin: germline. Affected: yes.
Comment: Not observed in large population cohorts (Lek et al., 2016); In silico analysis, which includes protein predictors and evolutionary conservation, supports a deleterious effect; Has not been previously published as pathogenic or benign to our knowledge

NM_002661.5(PLCG2):c.2135G>C (p.Ser712Thr)

Gene: PLCG2 (phospholipase C gamma 2; plus strand). Cytogenetic location: 16q23.3.
Variant type: single nucleotide variant.
Coding change: c.2135G>C on transcript NM_002661.5 (MANE Select); coding-DNA position 2135, G replaced by C.
Protein change: p.Ser712Thr; replaces serine 712 with threonine.
Molecular consequence: missense variant.
Genome position (GRCh38, 1-based): chr16:81,919,564, G>C. VCF-style: chr16-81919564-G-C. GRCh37 (hg19) VCF-style: chr16-81953169-G-C.
Other names: short protein forms S712T.
Identifiers: ClinVar variation 1313686 (VCV001313686.2), dbSNP rs2143682705, ClinGen allele CA396901974.